The following is an entry in ClinVar:

ClinVar aggregate classification (germline): Uncertain significance (1 of 4 stars; one submission).

Conditions:
Deficiency of aromatic-L-amino-acid decarboxylase. Also called: DDC DEFICIENCY; DOPA DECARBOXYLASE DEFICIENCY; AADC DEFICIENCY; Aromatic amino acid decarboxylase deficiency; Aromatic L-Amino Acid Decarboxylase Deficiency. Identifiers: Orphanet 35708, MedGen C1291564, MONDO:0012084, OMIM 608643.

Submission:

Labcorp Genetics (formerly Invitae), Labcorp
Classification: Uncertain significance for Deficiency of aromatic-L-amino-acid decarboxylase. Last evaluated: 2022-08-16. Review status: criteria provided, single submitter. Criteria: Invitae Variant Classification Sherloc (09022015). Collection method: clinical testing. Allele origin: germline.
Comment: In summary, the available evidence is currently insufficient to determine the role of this variant in disease. Therefore, it has been classified as a Variant of Uncertain Significance. Algorithms developed to predict the effect of sequence changes on RNA splicing suggest that this variant may create or strengthen a splice site. Algorithms developed to predict the effect of missense changes on protein structure and function are either unavailable or do not agree on the potential impact of this missense change (SIFT: "Deleterious"; PolyPhen-2: "Benign"; Align-GVGD: "Class C35"). ClinVar contains an entry for this variant (Variation ID: 1009794). This variant has not been reported in the literature in individuals affected with DDC-related conditions. This variant is not present in population databases (gnomAD no frequency). This sequence change replaces glutamic acid, which is acidic and polar, with valine, which is neutral and non-polar, at codon 456 of the DDC protein (p.Glu456Val).

NM_001082971.2(DDC):c.1367A>T (p.Glu456Val)

Gene: DDC (dopa decarboxylase; minus strand). Cytogenetic location: 7p12.2.
Variant type: single nucleotide variant.
Coding change: c.1367A>T on transcript NM_001082971.2 (MANE Select); coding-DNA position 1367, A replaced by T.
Protein change: p.Glu456Val; replaces glutamic acid 456 with valine.
Molecular consequence: missense variant.
Genome position (GRCh38, 1-based): chr7:50,463,307, T>A on the plus strand (A>T on the coding strand, the complement: DDC is on the minus strand). VCF-style: chr7-50463307-T-A. GRCh37 (hg19) VCF-style: chr7-50531005-T-A.
Other names: c.1367A>T, p.Glu456Val (NM_000790.4); c.1253A>T, p.Glu418Val (NM_001242886.2); c.1223A>T, p.Glu408Val (NM_001242887.2); c.1133A>T, p.Glu378Val (NM_001242888.2); c.1088A>T, p.Glu363Val (NM_001242889.2); short protein forms E363V, E378V, E408V, E418V, E456V.
Identifiers: ClinVar variation 1009794 (VCV001009794.7), dbSNP rs1049290384, ClinGen allele CA367527603.